The following is an entry in ClinVar:

NM_004521.3(KIF5B):c.2544+1G>T

Genes: KIF5B (kinesin family member 5B; minus strand), LOC126860907 (CDK7 strongly-dependent group 2 enhancer GRCh37_chr10:32306942-32308141; plus strand). Cytogenetic location: 10p11.22.
Variant type: single nucleotide variant.
Coding change: c.2544+1G>T on transcript NM_004521.3 (MANE Select); the canonical splice donor site of the intron after coding-DNA position 2544, G replaced by T.
Molecular consequence: splice donor variant.
Genome position (GRCh38, 1-based): chr10:32,018,051, C>A on the plus strand (G>T on the coding strand, the complement: KIF5B is on the minus strand). VCF-style: chr10-32018051-C-A. GRCh37 (hg19) VCF-style: chr10-32306979-C-A.
Identifiers: ClinVar variation 3572575 (VCV003572575.1).

ClinVar aggregate classification (germline): Uncertain significance (1 of 4 stars; one submission).

gnomAD v4.1: 1 of 1,550,292 alleles (0.000065%); highest among the groups gnomAD compares: Non-Finnish European, 0.000089%; no homozygotes.

Submission:

GeneDx
Classification: Uncertain significance. Last evaluated: 2024-07-10. Review status: criteria provided, single submitter. Criteria: GeneDx Variant Classification Process June 2021. Collection method: clinical testing. Allele origin: germline. Affected: yes.
Comment: Canonical splice site variant in a gene or region of a gene for which loss of function is not a well-established mechanism of disease; Not observed at significant frequency in large population cohorts (gnomAD); Has not been previously published as pathogenic or benign to our knowledge